The following is an entry in ClinVar:

ClinVar aggregate classification (germline): Pathogenic. Review status: criteria provided, multiple submitters, no conflicts (2 of 4 stars). 2 submissions from 2 submitters: Pathogenic (2). Last evaluated 2023-10-27.

Conditions:
Telangiectasia, hereditary hemorrhagic, type 2 (HHT2). Also called: ACVRL1-Related Hereditary Hemorrhagic Telangiectasia; Telangiectasia, hereditary hemorrhagic, type II. Identifiers: Orphanet 774, MedGen C1838163, MONDO:0010880, OMIM 600376. Disease mechanism: loss of function.

Submissions (2):

Labcorp Genetics (formerly Invitae), Labcorp
Classification: Pathogenic for Telangiectasia, hereditary hemorrhagic, type 2. Last evaluated: 2023-10-27. Review status: criteria provided, single submitter. Criteria: Invitae Variant Classification Sherloc (09022015). Collection method: clinical testing. Allele origin: germline.
Comment: This sequence change creates a premature translational stop signal (p.Gly214Alafs*44) in the ACVRL1 gene. It is expected to result in an absent or disrupted protein product. Loss-of-function variants in ACVRL1 are known to be pathogenic (PMID: 15879500). This variant is not present in population databases (gnomAD no frequency). This premature translational stop signal has been observed in individual(s) with hereditary hemorrhagic telangiectasia (PMID: 20414677). This variant is also known as p.Gly214AlafsX257. ClinVar contains an entry for this variant (Variation ID: 464768). For these reasons, this variant has been classified as Pathogenic.

Mayo Clinic Laboratories, Mayo Clinic
Classification: Pathogenic. Last evaluated: 2022-04-19. Review status: criteria provided, single submitter. Criteria: ACMG Guidelines, 2015. Collection method: clinical testing. Allele origin: germline. Observed: 1 variant allele.
Comment: PM2_supporting, PS4_moderate, PVS1

Literature cited by the submitters: PubMed 15879500 (cited by Labcorp Genetics (formerly Invitae), Labcorp); PubMed 20414677 (cited by Labcorp Genetics (formerly Invitae), Labcorp).

NM_000020.3(ACVRL1):c.641del (p.Gly214fs)

Gene: ACVRL1 (activin A receptor like type 1; plus strand). Cytogenetic location: 12q13.13.
Variant type: Deletion.
Coding change: c.641del on transcript NM_000020.3 (MANE Select); coding-DNA position 641, one base deleted (G; older notation c.641delG).
Protein change: p.Gly214fs; shifts the reading frame from glycine 214.
Molecular consequence: frameshift variant.
Genome position (GRCh38, 1-based): chr12:51,914,454, G deleted; the last of 2 consecutive G bases (chr12:51,914,453-51,914,454); deleting either gives the same sequence. VCF-style (leftmost placement, unchanged base first): chr12-51914452-TG-T. GRCh37 (hg19) VCF-style: chr12-52308236-TG-T.
Other names: p.Gly214Alafs*44; c.641delG (NM_000020.2); c.641del, p.Gly214fs (NM_001077401.2); short protein forms G214fs.
Identifiers: ClinVar variation 464768 (VCV000464768.9), dbSNP rs1555152909, ClinGen allele CA658656304.